The following is an entry in ClinVar:

ClinVar aggregate classification (germline): Uncertain significance. Review status: criteria provided, multiple submitters, no conflicts (2 of 4 stars). 2 submissions from 2 submitters: Uncertain significance (2). Last evaluated 2025-06-12.

Conditions:
Amyotrophic lateral sclerosis type 4 (ALS4). Also called: AMYOTROPHIC LATERAL SCLEROSIS 4, JUVENILE; NEURONOPATHY, DISTAL HEREDITARY MOTOR, WITH PYRAMIDAL FEATURES. Identifiers: Orphanet 357043, MedGen C1865409, MONDO:0011223, OMIM 602433.
Spinocerebellar ataxia, autosomal recessive, with axonal neuropathy 2 (SCAN2). Also called: Ataxia-ocular apraxia-2; Ataxia with Oculomotor Apraxia Type 2; Ataxia with Oculomotor Apraxia; ATAXIA-OCULOMOTOR APRAXIA 2. Identifiers: Orphanet 64753, MedGen C1853761, MONDO:0018996, OMIM 606002.
Inborn genetic diseases. Identifiers: MedGen C0950123, MeSH D030342.

gnomAD v4.1: 6 of 1,613,774 alleles (0.00037%); highest among the groups gnomAD compares: African/African-American, 0.008%; no homozygotes.

Submissions (2):

Labcorp Genetics (formerly Invitae), Labcorp
Classification: Uncertain significance for Amyotrophic lateral sclerosis type 4; Spinocerebellar ataxia, autosomal recessive, with axonal neuropathy 2. Last evaluated: 2025-06-12. Review status: criteria provided, single submitter. Criteria: Invitae Variant Classification Sherloc (09022015). Collection method: clinical testing. Allele origin: germline.
Comment: This sequence change replaces glycine, which is neutral and non-polar, with valine, which is neutral and non-polar, at codon 739 of the SETX protein (p.Gly739Val). This variant is not present in population databases (gnomAD no frequency). This variant has not been reported in the literature in individuals affected with SETX-related conditions. ClinVar contains an entry for this variant (Variation ID: 2247141). Invitae Evidence Modeling of protein sequence and biophysical properties (such as structural, functional, and spatial information, amino acid conservation, physicochemical variation, residue mobility, and thermodynamic stability) indicates that this missense variant is not expected to disrupt SETX protein function with a negative predictive value of 95%. In summary, the available evidence is currently insufficient to determine the role of this variant in disease. Therefore, it has been classified as a Variant of Uncertain Significance.

Ambry Genetics
Classification: Uncertain significance for Inborn genetic diseases. Last evaluated: 2021-08-30. Review status: criteria provided, single submitter. Criteria: Ambry Variant Classification Scheme 2023. Collection method: clinical testing. Allele origin: germline.

NM_015046.7(SETX):c.2216G>T (p.Gly739Val)

Gene: SETX (senataxin; minus strand). Cytogenetic location: 9q34.13.
Variant type: single nucleotide variant.
Coding change: c.2216G>T on transcript NM_015046.7 (MANE Select); coding-DNA position 2216, G replaced by T.
Protein change: p.Gly739Val; replaces glycine 739 with valine.
Molecular consequence: missense variant.
Genome position (GRCh38, 1-based): chr9:132,329,382, C>A on the plus strand (G>T on the coding strand, the complement: SETX is on the minus strand). VCF-style: chr9-132329382-C-A. GRCh37 (hg19) VCF-style: chr9-135204769-C-A.
Other names: c.2216G>T, p.Gly739Val (NM_001351527.2, NM_001351528.2); short protein forms G739V.
Identifiers: ClinVar variation 2247141 (VCV002247141.3), dbSNP rs36024203, ClinGen allele CA200813040.